The following is an entry in ClinVar:

NM_058216.3(RAD51C):c.315A>G (p.Ser105=)

Gene: RAD51C (RAD51 paralog C; plus strand). Cytogenetic location: 17q22.
Variant type: single nucleotide variant.
Coding change: c.315A>G on transcript NM_058216.3 (MANE Select); coding-DNA position 315, A replaced by G.
Protein change: p.Ser105=; no amino-acid change (serine 105 retained).
Molecular consequence: synonymous variant. On other transcripts: non-coding transcript variant (2).
Genome position (GRCh38, 1-based): chr17:58,695,100, A>G. VCF-style: chr17-58695100-A-G. GRCh37 (hg19) VCF-style: chr17-56772461-A-G.
Other names: c.315A>G, p.Ser105= (NM_002876.4).
Identifiers: ClinVar variation 232859 (VCV000232859.25), dbSNP rs876660032, ClinGen allele CA10580732.

ClinVar aggregate classification (germline): Conflicting classifications of pathogenicity. Review status: criteria provided, conflicting classifications (1 of 4 stars). 7 submissions from 7 submitters: Uncertain significance (1); Benign (1); Likely benign (4). 1 of the submissions does not count toward it. Last evaluated 2025-11-20.

Conditions:
RAD51C-related disorder. Also called: RAD51C-related condition; RAD51C-related disorders.
Hereditary cancer-predisposing syndrome. Also called: Hereditary Cancer Syndrome; Neoplastic Syndromes, Hereditary; Tumor predisposition; Hereditary neoplastic syndrome. Identifiers: Orphanet 140162, MedGen C0027672, MeSH D009386, MONDO:0015356.
Fanconi anemia complementation group O. Also called: RAD51C-Related Fanconi Anemia. Identifiers: Orphanet 84, MedGen C3150653, MONDO:0013248, OMIM 613390.
Breast-ovarian cancer, familial, susceptibility to, 3. Also called: RAD51C-Related Breast/Ovarian Cancer. Identifiers: Orphanet 145, MedGen C3150659, MONDO:0013253, OMIM 613399.

Allele frequency attached by ClinVar (database versions not stated): TOPMed 0.00001; gnomAD 0.00002.
gnomAD v4.1: 3 of 1,614,048 alleles (0.00019%); highest among the groups gnomAD compares: African/African-American, 0.004%; no homozygotes.

Submissions (7):

Labcorp Genetics (formerly Invitae), Labcorp
Classification: Likely benign for Fanconi anemia complementation group O. Last evaluated: 2025-11-20. Review status: criteria provided, single submitter. Criteria: Invitae Variant Classification Sherloc (09022015). Collection method: clinical testing. Allele origin: germline.

Myriad Genetics, Inc.
Classification: Benign for Breast-ovarian cancer, familial, susceptibility to, 3. Last evaluated: 2025-02-14. Review status: criteria provided, single submitter. Criteria: Myriad Autosomal Dominant, Autosomal Recessive and X-Linked Classification Criteria (2023). Collection method: clinical testing. Allele origin: unknown.
Comment: This variant is considered benign. This variant is a silent/synonymous amino acid change and it is not expected to impact splicing.

GeneDx
Classification: Uncertain significance. Last evaluated: 2021-05-21. Review status: criteria provided, single submitter. Criteria: GeneDx Variant Classification Process June 2021. Collection method: clinical testing. Allele origin: germline. Affected: yes.
Comment: Has not been previously published as pathogenic or benign to our knowledge; In silico analysis, which includes splice predictors and evolutionary conservation, suggests this variant may impact gene splicing. In the absence of RNA/functional studies, the actual effect of this sequence change is unknown.

Sema4
Classification: Likely benign for Hereditary cancer-predisposing syndrome. Last evaluated: 2020-10-13. Review status: criteria provided, single submitter. Criteria: Sema4 Curation Guidelines. Collection method: curation. Allele origin: germline.

Color Diagnostics, LLC DBA Color Health
Classification: Likely benign for Hereditary cancer-predisposing syndrome. Last evaluated: 2016-03-08. Review status: criteria provided, single submitter. Criteria: ACMG Guidelines, 2015. Collection method: clinical testing. Allele origin: germline.

Ambry Genetics
Classification: Likely benign for Hereditary cancer-predisposing syndrome. Last evaluated: 2015-07-09. Review status: criteria provided, single submitter. Criteria: Ambry Variant Classification Scheme 2023. Collection method: clinical testing. Allele origin: germline.

PreventionGenetics, part of Exact Sciences
Classification: Likely benign for RAD51C-related condition. Last evaluated: 2022-12-22. Review status: no assertion criteria provided. Collection method: clinical testing. Allele origin: germline. Not counted in ClinVar's aggregate classification.
Comment: This variant is classified as likely benign based on ACMG/AMP sequence variant interpretation guidelines (Richards et al. 2015 PMID: 25741868, with internal and published modifications).